The following is an entry in ClinVar:

ClinVar aggregate classification (germline): Conflicting classifications of pathogenicity. Review status: criteria provided, conflicting classifications (1 of 4 stars). 2 submissions from 2 submitters: Uncertain significance (1); Likely benign (1). Last evaluated 2025-10-22.

Conditions:
Neurofibromatosis, type 1 (NF1). Also called: Peripheral type neurofibromatosis; VON RECKLINGHAUSEN DISEASE; NEUROFIBROMATOSIS, TYPE I, SOMATIC; Neurofibromatosis, type I. Identifiers: Orphanet 636, MedGen C0027831, MONDO:0018975, OMIM 162200. Disease mechanism: loss of function.
Cardiovascular phenotype. Identifiers: MedGen CN230736.
Hereditary cancer-predisposing syndrome. Also called: Neoplastic Syndromes, Hereditary; Tumor predisposition; Hereditary neoplastic syndrome; Hereditary Cancer Syndrome. Identifiers: Orphanet 140162, MedGen C0027672, MeSH D009386, MONDO:0015356.

Submissions (2):

Ambry Genetics
Classification: Likely benign for Cardiovascular phenotype; Hereditary cancer-predisposing syndrome. Last evaluated: 2025-10-22. Review status: criteria provided, single submitter. Criteria: Ambry Variant Classification Scheme 2023. Collection method: clinical testing. Allele origin: germline.

Labcorp Genetics (formerly Invitae), Labcorp
Classification: Uncertain significance for Neurofibromatosis, type 1. Last evaluated: 2024-03-29. Review status: criteria provided, single submitter. Criteria: Invitae Variant Classification Sherloc (09022015). Collection method: clinical testing. Allele origin: germline.
Comment: This sequence change replaces cysteine, which is neutral and slightly polar, with tyrosine, which is neutral and polar, at codon 2787 of the NF1 protein (p.Cys2787Tyr). This variant is not present in population databases (gnomAD no frequency). This variant has not been reported in the literature in individuals affected with NF1-related conditions. ClinVar contains an entry for this variant (Variation ID: 1763090). Advanced modeling of protein sequence and biophysical properties (such as structural, functional, and spatial information, amino acid conservation, physicochemical variation, residue mobility, and thermodynamic stability) performed at Invitae indicates that this missense variant is not expected to disrupt NF1 protein function with a negative predictive value of 95%. In summary, the available evidence is currently insufficient to determine the role of this variant in disease. Therefore, it has been classified as a Variant of Uncertain Significance.

NM_001042492.3(NF1):c.8423G>A (p.Cys2808Tyr)

Gene: NF1 (neurofibromin 1; plus strand). Cytogenetic location: 17q11.2.
Variant type: single nucleotide variant.
Coding change: c.8423G>A on transcript NM_001042492.3 (MANE Select); coding-DNA position 8423, G replaced by A.
Protein change: p.Cys2808Tyr; replaces cysteine 2808 with tyrosine.
Molecular consequence: missense variant.
Genome position (GRCh38, 1-based): chr17:31,374,058, G>A. VCF-style: chr17-31374058-G-A. GRCh37 (hg19) VCF-style: chr17-29701076-G-A.
Other names: c.8360G>A, p.Cys2787Tyr (NM_000267.4); short protein forms C2808Y, C2787Y.
Identifiers: ClinVar variation 1763090 (VCV001763090.5), dbSNP rs148473245, ClinGen allele CA399205943.